The following is an entry in ClinVar:

ClinVar aggregate classification (germline): Benign/Likely benign. Review status: criteria provided, multiple submitters, no conflicts (2 of 4 stars). 4 submissions from 4 submitters: Benign (1); Likely benign (3). Last evaluated 2025-10-03.

Conditions:
Hereditary cancer-predisposing syndrome. Also called: Tumor predisposition; Neoplastic Syndromes, Hereditary; Hereditary neoplastic syndrome; Hereditary Cancer Syndrome. Identifiers: Orphanet 140162, MedGen C0027672, MeSH D009386, MONDO:0015356.
BAP1-related tumor predisposition syndrome (TPDS1). Also called: Tumor susceptibility linked to germline BAP1 mutations; BAP1 tumor predisposition syndrome; COMMON Syndrome; TUMOR PREDISPOSITION SYNDROME 1. Identifiers: Orphanet 289539, MedGen C3280492, MONDO:0013692, OMIM 614327.

Allele frequency attached by ClinVar (database versions not stated): gnomAD exomes below 0.00001; TOPMed below 0.00001; gnomAD 0.00001.

Submissions (4):

Labcorp Genetics (formerly Invitae), Labcorp
Classification: Likely benign for BAP1-related tumor predisposition syndrome. Last evaluated: 2025-10-03. Review status: criteria provided, single submitter. Criteria: Invitae Variant Classification Sherloc (09022015). Collection method: clinical testing. Allele origin: germline.

Myriad Genetics, Inc.
Classification: Benign for BAP1-related tumor predisposition syndrome. Last evaluated: 2024-07-11. Review status: criteria provided, single submitter. Criteria: Myriad Autosomal Dominant, Autosomal Recessive and X-Linked Classification Criteria (2023). Collection method: clinical testing. Allele origin: unknown.
Comment: This variant is considered benign. This variant is a silent/synonymous amino acid change and it is not expected to impact splicing.

Ambry Genetics
Classification: Likely benign for Hereditary cancer-predisposing syndrome. Last evaluated: 2018-11-05. Review status: criteria provided, single submitter. Criteria: Ambry Variant Classification Scheme 2023. Collection method: clinical testing. Allele origin: germline.

Color Diagnostics, LLC DBA Color Health
Classification: Likely benign for Hereditary cancer-predisposing syndrome. Last evaluated: 2017-11-26. Review status: criteria provided, single submitter. Criteria: ACMG Guidelines, 2015. Collection method: clinical testing. Allele origin: germline.

NM_004656.4(BAP1):c.180A>G (p.Arg60=)

Gene: BAP1 (BRCA1 associated deubiquitinase 1; minus strand). Cytogenetic location: 3p21.1.
Variant type: single nucleotide variant.
Coding change: c.180A>G on transcript NM_004656.4 (MANE Select); coding-DNA position 180, A replaced by G.
Protein change: p.Arg60=; no amino-acid change (arginine 60 retained).
Molecular consequence: synonymous variant.
Genome position (GRCh38, 1-based): chr3:52,408,549, T>C on the plus strand (A>G on the coding strand, the complement: BAP1 is on the minus strand). VCF-style: chr3-52408549-T-C. GRCh37 (hg19) VCF-style: chr3-52442565-T-C.
Identifiers: ClinVar variation 630904 (VCV000630904.14), dbSNP rs1553646020, ClinGen allele CA433778195.
Genomic context (GRCh38, chr3:52,408,549, plus strand): 5'-CATGTTATTCACAATATCATCATCAATCACGGACGTATCATCCACCAAGGTAGAGACCTT[T>C]CGCCGGGACCGGCGCTCTTCGATCCATTTGAACAGGAAGATAAATCCATATACAGGGCTG-3'
Protein context (NP_004647.1, residues 50-70): FKWIEERRSR[Arg60=]KVSTLVDDTS